The following is an entry in ClinVar:

NM_001378204.1(CCDC18):c.3241C>G (p.Leu1081Val)

Gene: CCDC18 (coiled-coil domain containing 18; plus strand). Cytogenetic location: 1p22.1.
Variant type: single nucleotide variant.
Coding change: c.3241C>G on transcript NM_001378204.1 (MANE Select); coding-DNA position 3241, C replaced by G.
Protein change: p.Leu1081Val; replaces leucine 1081 with valine.
Molecular consequence: missense variant.
Genome position (GRCh38, 1-based): chr1:93,254,513, C>G. VCF-style: chr1-93254513-C-G. GRCh37 (hg19) VCF-style: chr1-93720070-C-G.
Other names: NC_000001.10:g.93720070C>G; c.3238C>G, p.Leu1080Val (NM_001306076.1); c.3241C>G, p.Leu1081Val (NM_206886.4); short protein forms L1080V, L1081V.
Identifiers: ClinVar variation 3060609 (VCV003060609.3), dbSNP rs12030843, ClinGen allele CA954534.

ClinVar aggregate classification (germline): Benign (0 of 4 stars; one submission).

Conditions:
CCDC18-related disorder. Also called: CCDC18-related condition.

Allele frequency attached by ClinVar (database versions not stated): ESP Exome Variant Server 0.17017; gnomAD exomes 0.17665; gnomAD 0.18654; TOPMed 0.19825; ExAC 0.21098; 1000 Genomes Project 30x 0.22814; 1000 Genomes Project 0.23223.
gnomAD v4.1: 282,948 of 1,592,786 alleles (18%); highest among the groups gnomAD compares: Admixed American, 32%; 27,872 homozygotes.

Submissions (21):

PreventionGenetics, part of Exact Sciences
Classification: Benign for CCDC18-related condition. Last evaluated: 2019-10-17. Review status: no assertion criteria provided. Collection method: clinical testing. Allele origin: germline.
Comment: This variant is classified as benign based on ACMG/AMP sequence variant interpretation guidelines (Richards et al. 2015 PMID: 25741868, with internal and published modifications).

Dr. Peter K. Rogan Lab, Western University
No classification provided (evidence only). Condition: Malignant lymphoma, large B-cell, diffuse. Review status: no classification provided. Collection method: in vitro. Allele origin: not applicable. Functional consequence: skipped exon. Not counted in ClinVar's aggregate classification.

Dr. Peter K. Rogan Lab, Western University
No classification provided (evidence only). Condition: Malignant lymphoma, large B-cell, diffuse. Review status: no classification provided. Collection method: in vitro. Allele origin: not applicable. Functional consequence: skipped exon, retained intron. Not counted in ClinVar's aggregate classification.

Dr. Peter K. Rogan Lab, Western University
No classification provided (evidence only). Condition: Malignant lymphoma, large B-cell, diffuse. Review status: no classification provided. Collection method: in vitro. Allele origin: not applicable. Functional consequence: skipped exon. Not counted in ClinVar's aggregate classification.

Dr. Peter K. Rogan Lab, Western University
No classification provided (evidence only). Condition: Malignant lymphoma, large B-cell, diffuse. Review status: no classification provided. Collection method: in vitro. Allele origin: not applicable. Functional consequence: skipped exon, retained intron. Not counted in ClinVar's aggregate classification.

Dr. Peter K. Rogan Lab, Western University
No classification provided (evidence only). Condition: Malignant lymphoma, large B-cell, diffuse. Review status: no classification provided. Collection method: in vitro. Allele origin: not applicable. Functional consequence: skipped exon, retained intron. Not counted in ClinVar's aggregate classification.

Dr. Peter K. Rogan Lab, Western University
No classification provided (evidence only). Condition: Malignant lymphoma, large B-cell, diffuse. Review status: no classification provided. Collection method: in vitro. Allele origin: not applicable. Functional consequence: skipped exon, retained intron. Not counted in ClinVar's aggregate classification.

Dr. Peter K. Rogan Lab, Western University
No classification provided (evidence only). Condition: Malignant lymphoma, large B-cell, diffuse. Review status: no classification provided. Collection method: in vitro. Allele origin: not applicable. Functional consequence: skipped exon. Not counted in ClinVar's aggregate classification.

Dr. Peter K. Rogan Lab, Western University
No classification provided (evidence only). Condition: Malignant lymphoma, large B-cell, diffuse. Review status: no classification provided. Collection method: in vitro. Allele origin: not applicable. Functional consequence: skipped exon. Not counted in ClinVar's aggregate classification.

Dr. Peter K. Rogan Lab, Western University
No classification provided (evidence only). Condition: Malignant lymphoma, large B-cell, diffuse. Review status: no classification provided. Collection method: in vitro. Allele origin: not applicable. Functional consequence: skipped exon. Not counted in ClinVar's aggregate classification.

Dr. Peter K. Rogan Lab, Western University
No classification provided (evidence only). Condition: Malignant lymphoma, large B-cell, diffuse. Review status: no classification provided. Collection method: in vitro. Allele origin: not applicable. Functional consequence: skipped exon. Not counted in ClinVar's aggregate classification.

Dr. Peter K. Rogan Lab, Western University
No classification provided (evidence only). Condition: Malignant lymphoma, large B-cell, diffuse. Review status: no classification provided. Collection method: in vitro. Allele origin: not applicable. Functional consequence: skipped exon. Not counted in ClinVar's aggregate classification.

Dr. Peter K. Rogan Lab, Western University
No classification provided (evidence only). Condition: Uterine carcinosarcoma. Review status: no classification provided. Collection method: in vitro. Allele origin: not applicable. Functional consequence: skipped exon. Not counted in ClinVar's aggregate classification.

Dr. Peter K. Rogan Lab, Western University
No classification provided (evidence only). Condition: Uterine carcinosarcoma. Review status: no classification provided. Collection method: in vitro. Allele origin: not applicable. Functional consequence: skipped exon. Not counted in ClinVar's aggregate classification.

Dr. Peter K. Rogan Lab, Western University
No classification provided (evidence only). Condition: Uveal melanoma. Review status: no classification provided. Collection method: in vitro. Allele origin: not applicable. Functional consequence: retained intron. Not counted in ClinVar's aggregate classification.

Dr. Peter K. Rogan Lab, Western University
No classification provided (evidence only). Condition: Uveal melanoma. Review status: no classification provided. Collection method: in vitro. Allele origin: not applicable. Functional consequence: skipped exon. Not counted in ClinVar's aggregate classification.

Dr. Peter K. Rogan Lab, Western University
No classification provided (evidence only). Condition: Colorectal cancer. Review status: no classification provided. Collection method: in vitro. Allele origin: not applicable. Functional consequence: retained intron. Not counted in ClinVar's aggregate classification.

Dr. Peter K. Rogan Lab, Western University
No classification provided (evidence only). Condition: Colorectal cancer. Review status: no classification provided. Collection method: in vitro. Allele origin: not applicable. Functional consequence: skipped exon. Not counted in ClinVar's aggregate classification.

Dr. Peter K. Rogan Lab, Western University
No classification provided (evidence only). Condition: Colorectal cancer. Review status: no classification provided. Collection method: in vitro. Allele origin: not applicable. Functional consequence: skipped exon, retained intron. Not counted in ClinVar's aggregate classification.

Dr. Peter K. Rogan Lab, Western University
No classification provided (evidence only). Condition: Colorectal cancer. Review status: no classification provided. Collection method: in vitro. Allele origin: not applicable. Functional consequence: skipped exon. Not counted in ClinVar's aggregate classification.

Dr. Peter K. Rogan Lab, Western University
No classification provided (evidence only). Condition: Colorectal cancer. Review status: no classification provided. Collection method: in vitro. Allele origin: not applicable. Functional consequence: skipped exon, retained intron. Not counted in ClinVar's aggregate classification.